The following is an entry in ClinVar:

NM_001166108.2(PALLD):c.*126T>G

Genes: CBR4 (carbonyl reductase 4; minus strand), PALLD (palladin, cytoskeletal associated protein; plus strand). Cytogenetic location: 4q32.3.
Variant type: single nucleotide variant.
Coding change: c.*126T>G on transcript NM_001166108.2 (MANE Select); 126 bases downstream of the stop codon, T replaced by G.
Molecular consequence: 3 prime UTR variant. On other transcripts: missense variant (4).
Genome position (GRCh38, 1-based): chr4:168,926,306, T>G. VCF-style: chr4-168926306-T-G. GRCh37 (hg19) VCF-style: chr4-169847457-T-G.
Other names: c.2255T>G, p.Ile752Ser (NM_001166109.2); c.1940T>G, p.Ile647Ser (NM_001166110.2); c.*126T>G (NM_001367567.1, NM_001367570.1, NM_016081.4); c.1331T>G, p.Ile444Ser (NM_001367568.1); c.1280T>G, p.Ile427Ser (NM_001367569.1); short protein forms I444S, I647S, I752S, I427S.
Identifiers: ClinVar variation 4130446 (VCV004130446.1).

ClinVar aggregate classification (germline): Uncertain significance (1 of 4 stars; one submission).

Submission:

Ambry Genetics
Classification: Uncertain significance. Last evaluated: 2025-08-25. Review status: criteria provided, single submitter. Criteria: Ambry Variant Classification Scheme 2023. Collection method: clinical testing. Allele origin: germline.
Comment: The p.I647S variant (also known as c.1940T>G), located in coding exon 11 of the PALLD gene, results from a T to G substitution at nucleotide position 1940. The isoleucine at codon 647 is replaced by serine, an amino acid with dissimilar properties. This amino acid position is conserved. In addition, the in silico prediction for this alteration is inconclusive. Based on the available evidence, the clinical significance of this variant remains unclear.